The following is an entry in ClinVar:

NM_000548.5(TSC2):c.3434del (p.Pro1145fs)

Gene: TSC2 (TSC complex subunit 2; plus strand). Cytogenetic location: 16p13.3.
Variant type: Deletion.
Coding change: c.3434del on transcript NM_000548.5 (MANE Select); coding-DNA position 3434, one base deleted (C; older notation c.3434delC).
Protein change: p.Pro1145fs; shifts the reading frame from proline 1145.
Molecular consequence: frameshift variant.
Genome position (GRCh38, 1-based): chr16:2,080,201, C deleted; the last of 2 consecutive C bases (chr16:2,080,200-2,080,201); deleting either gives the same sequence. VCF-style (leftmost placement, unchanged base first): chr16-2080199-GC-G. GRCh37 (hg19) VCF-style: chr16-2130200-GC-G.
Other names: c.3302del, p.Pro1101fs (NM_001077183.3, NM_001370404.1); c.3434del, p.Pro1145fs (NM_001114382.3); c.3194del, p.Pro1065fs (NM_001318827.2); c.3158del, p.Pro1053fs (NM_001318829.2); c.2702del, p.Pro901fs (NM_001318831.2); c.3335del, p.Pro1112fs (NM_001318832.2); c.3305del, p.Pro1102fs (NM_001363528.2, NM_001370405.1, NM_021055.3); short protein forms P1053fs, P1065fs, P1101fs, P1102fs, P1112fs, P1145fs, P901fs.
Identifiers: ClinVar variation 1070243 (VCV001070243.7), dbSNP rs2151456652, ClinGen allele CA2499223319.

ClinVar aggregate classification (germline): Pathogenic (1 of 4 stars; one submission).

Conditions:
Tuberous sclerosis 2 (TSC2). Identifiers: Orphanet 805, MedGen C1860707, MONDO:0013199, OMIM 613254.

Submission:

Labcorp Genetics (formerly Invitae), Labcorp
Classification: Pathogenic for Tuberous sclerosis 2. Last evaluated: 2022-09-01. Review status: criteria provided, single submitter. Criteria: Invitae Variant Classification Sherloc (09022015). Collection method: clinical testing. Allele origin: germline.
Comment: This sequence change creates a premature translational stop signal (p.Pro1145Argfs*46) in the TSC2 gene. It is expected to result in an absent or disrupted protein product. Loss-of-function variants in TSC2 are known to be pathogenic (PMID: 10205261, 17304050). For these reasons, this variant has been classified as Pathogenic. ClinVar contains an entry for this variant (Variation ID: 1070243). This variant has not been reported in the literature in individuals affected with TSC2-related conditions. This variant is not present in population databases (gnomAD no frequency).

Literature cited by the submitters: PubMed 10205261; PubMed 17304050.